The following is an entry in ClinVar:

NM_004937.2(CTNS):c.-520T>C

Genes: CTNS (cystinosin, lysosomal cystine transporter; plus strand), LOC130059980 (ATAC-STARR-seq lymphoblastoid active region 11511; plus strand). Cytogenetic location: 17p13.2.
Variant type: single nucleotide variant.
Coding change: c.-520T>C on transcript NM_004937.2; 520 bases upstream of the start codon, T replaced by C.
Molecular consequence: 5 prime UTR variant (on NM_001031681.3).
Genome position (GRCh38, 1-based): chr17:3,636,541, T>C. VCF-style: chr17-3636541-T-C. GRCh37 (hg19) VCF-style: chr17-3539835-T-C.
Other names: c.-397T>C (NM_001031681.3).
Identifiers: ClinVar variation 322815 (VCV000322815.9), dbSNP rs111977802, ClinGen allele CA10639455.

ClinVar aggregate classification (germline): Benign. Review status: criteria provided, multiple submitters, no conflicts (2 of 4 stars). 4 submissions from 3 submitters: Benign (4). Last evaluated 2018-10-05.

Conditions:
Ocular cystinosis. Also called: Non-Nephropathic Cystinosis; Non-Nephropathic (Ocular) Cystinosis. Identifiers: Orphanet 213, Orphanet 411641, MedGen C2931013, MONDO:0009064, OMIM 219750.
Nephropathic cystinosis (CTNS). Also called: CYSTINOSIN, DEFECT OF; LYSOSOMAL CYSTINE TRANSPORT PROTEIN, DEFECT OF; Abderhalden Lignac Kaufmann disease; Abderhalden-Kaufmann-Lignac syndrome. Identifiers: Orphanet 213, Orphanet 411629, MedGen C2931187, MONDO:0100151, OMIM 219800.

Allele frequency attached by ClinVar (database versions not stated): 1000 Genomes Project 0.04992; TOPMed 0.05789; gnomAD 0.06010 and 0.06051; 1000 Genomes Project 30x 0.04934.
gnomAD v4.1: 20,698 of 320,972 alleles (6.4%); highest among the groups gnomAD compares: Middle Eastern, 11%; 770 homozygotes.

Submissions (4):

GeneDx
Classification: Benign. Last evaluated: 2018-10-05. Review status: criteria provided, single submitter. Criteria: GeneDx Variant Classification Process June 2021. Collection method: clinical testing. Allele origin: germline. Affected: yes.

Illumina Laboratory Services, Illumina
Classification: Benign for Nephropathic cystinosis. Last evaluated: 2018-01-13. Review status: criteria provided, single submitter. Criteria: ICSL Variant Classification Criteria 13 December 2019. Collection method: clinical testing. Allele origin: germline.
Comment: This variant was observed in the ICSL laboratory as part of a predisposition screen in an ostensibly healthy population. It had not been previously curated by ICSL or reported in the Human Gene Mutation Database (HGMD: prior to June 1st, 2018), and was therefore a candidate for classification through an automated scoring system. Utilizing variant allele frequency, disease prevalence and penetrance estimates, and inheritance mode, an automated score was calculated to assess if this variant is too frequent to cause the disease. Based on the score and internal cut-off values, a variant classified as benign is not then subjected to further curation. The score for this variant resulted in a classification of benign for this disease.

Illumina Laboratory Services, Illumina
Classification: Benign for Ocular cystinosis. Last evaluated: 2018-01-13. Review status: criteria provided, single submitter. Criteria: ICSL Variant Classification Criteria 13 December 2019. Collection method: clinical testing. Allele origin: germline.
Comment: the same text as in the submission from Illumina Laboratory Services, Illumina above.

Breakthrough Genomics
Classification: Benign. Review status: criteria provided, single submitter. Criteria: ACMG Guidelines, 2015. Collection method: not provided. Allele origin: germline. Inheritance: Autosomal recessive inheritance. Affected: yes.